The following is an entry in ClinVar:

ClinVar aggregate classification (germline): Uncertain significance (1 of 4 stars; one submission).

Conditions:
Congenital myasthenic syndrome 8. Also called: MYASTHENIC SYNDROME, CONGENITAL, DUE TO AGRIN DEFICIENCY; Myasthenic syndrome, congenital, 8, with pre- and postsynaptic defects. Identifiers: Orphanet 590, MedGen C3808739, MONDO:0014052, OMIM 615120.

Allele frequency attached by ClinVar (database versions not stated): TOPMed 0.00002; ESP Exome Variant Server 0.00008.
gnomAD v4.1: 2 of 1,612,634 alleles (0.00012%); highest among the groups gnomAD compares: African/African-American, 0.0027%; no homozygotes.

Submission:

Labcorp Genetics (formerly Invitae), Labcorp
Classification: Uncertain significance for Congenital myasthenic syndrome 8. Last evaluated: 2022-11-01. Review status: criteria provided, single submitter. Criteria: Invitae Variant Classification Sherloc (09022015). Collection method: clinical testing. Allele origin: germline.
Comment: This sequence change replaces threonine, which is neutral and polar, with asparagine, which is neutral and polar, at codon 1172 of the AGRN protein (p.Thr1172Asn). This variant is not present in population databases (gnomAD no frequency). This variant has not been reported in the literature in individuals affected with AGRN-related conditions. ClinVar contains an entry for this variant (Variation ID: 565843). Algorithms developed to predict the effect of missense changes on protein structure and function are either unavailable or do not agree on the potential impact of this missense change (SIFT: "Deleterious"; PolyPhen-2: "Possibly Damaging"; Align-GVGD: "Class C0"). In summary, the available evidence is currently insufficient to determine the role of this variant in disease. Therefore, it has been classified as a Variant of Uncertain Significance.

NM_198576.4(AGRN):c.3515C>A (p.Thr1172Asn)

Gene: AGRN (agrin; plus strand). Cytogenetic location: 1p36.33.
Variant type: single nucleotide variant.
Coding change: c.3515C>A on transcript NM_198576.4 (MANE Select); coding-DNA position 3515, C replaced by A.
Protein change: p.Thr1172Asn; replaces threonine 1172 with asparagine.
Molecular consequence: missense variant.
Genome position (GRCh38, 1-based): chr1:1,047,453, C>A. VCF-style: chr1-1047453-C-A. GRCh37 (hg19) VCF-style: chr1-982833-C-A.
Other names: c.3515C>A, p.Thr1172Asn (NM_001305275.2); c.3200C>A, p.Thr1067Asn (NM_001364727.2); short protein forms T1172N, T1067N.
Identifiers: ClinVar variation 565843 (VCV000565843.7), dbSNP rs375197922, ClinGen allele CA16759449.
Genomic context (GRCh38, chr1:1,047,453, plus strand): 5'-CCGAGATGGCTGACCCCAAGTCAGAACTGTTCGGGGAGACAGCCAGGAGCATTGAGAGCA[C>A]CGTAAGACGGGGGCGCAGCCCCCACCTACCCACTGGCCTTCCTCCCCAGATACCCAGAGC-3'
Protein context (NP_940978.2, residues 1162-1182): FGETARSIES[Thr1172Asn]LDDLFRNSDV